The following is an entry in ClinVar:

NM_000127.3(EXT1):c.840G>T (p.Arg280Ser)

Gene: EXT1 (exostosin glycosyltransferase 1; minus strand). Cytogenetic location: 8q24.11.
Variant type: single nucleotide variant.
Coding change: c.840G>T on transcript NM_000127.3 (MANE Select); coding-DNA position 840, G replaced by T.
Protein change: p.Arg280Ser; replaces arginine 280 with serine.
Molecular consequence: missense variant.
Genome position (GRCh38, 1-based): chr8:118,110,207, C>A on the plus strand (G>T on the coding strand, the complement: EXT1 is on the minus strand). VCF-style: chr8-118110207-C-A. GRCh37 (hg19) VCF-style: chr8-119122446-C-A.
Other names: short protein forms R280S.
Identifiers: ClinVar variation 4802758 (VCV004802758.1).

ClinVar aggregate classification (germline): Pathogenic (1 of 4 stars; one submission).

Conditions:
Multiple congenital exostosis (EXT). Also called: MULTIPLE CARTILAGINOUS EXOSTOSES; Hereditary multiple osteochondromas; Hereditary multiple exostoses; Hereditary multiple exostosis; Multiple exostoses; Multiple osteochondromas. Identifiers: Orphanet 321, MedGen C0015306, MONDO:0005508, HP:0002762.

Submission:

Labcorp Genetics (formerly Invitae), Labcorp
Classification: Pathogenic for Multiple congenital exostosis. Last evaluated: 2025-04-07. Review status: criteria provided, single submitter. Criteria: Invitae Variant Classification Sherloc (09022015). Collection method: clinical testing. Allele origin: germline.
Comment: This sequence change replaces arginine, which is basic and polar, with serine, which is neutral and polar, at codon 280 of the EXT1 protein (p.Arg280Ser). This variant is not present in population databases (gnomAD no frequency). This missense change has been observed in individual(s) with hereditary multiple exostoses (PMID: 9521425). Invitae Evidence Modeling of protein sequence and biophysical properties (such as structural, functional, and spatial information, amino acid conservation, physicochemical variation, residue mobility, and thermodynamic stability) indicates that this missense variant is expected to disrupt EXT1 protein function with a positive predictive value of 95%. This variant disrupts the p.Arg280 amino acid residue in EXT1. Other variant(s) that disrupt this residue have been determined to be pathogenic (PMID: 9521425, 11391482; internal data). This suggests that this residue is clinically significant, and that variants that disrupt this residue are likely to be disease-causing. For these reasons, this variant has been classified as Pathogenic.

Literature cited by the submitters: PubMed 9521425; PubMed 11391482.